The following is an entry in ClinVar:

ClinVar aggregate classification (germline): Uncertain significance. Review status: criteria provided, multiple submitters, no conflicts (2 of 4 stars). 2 submissions from 2 submitters: Uncertain significance (2). Last evaluated 2019-05-03.

Conditions:
Emery-Dreifuss muscular dystrophy 5, autosomal dominant (EDMD5). Also called: EMERY-DREIFUSS MUSCULAR DYSTROPHY 5. Identifiers: Orphanet 261, MedGen C2751805, MONDO:0013072, OMIM 612999.

Submissions (2):

Revvity Omics, Revvity
Classification: Uncertain significance for Emery-Dreifuss muscular dystrophy 5, autosomal dominant. Last evaluated: 2019-05-03. Review status: criteria provided, single submitter. Criteria: ACMG Guidelines, 2015. Collection method: clinical testing. Allele origin: germline.

Labcorp Genetics (formerly Invitae), Labcorp
Classification: Uncertain significance for Emery-Dreifuss muscular dystrophy 5, autosomal dominant. Last evaluated: 2017-10-23. Review status: criteria provided, single submitter. Criteria: Invitae Variant Classification Sherloc (09022015). Collection method: clinical testing. Allele origin: germline.
Comment: Algorithms developed to predict the effect of missense changes on protein structure and function output the following: SIFT: "Tolerated"; PolyPhen-2: "Benign"; Align-GVGD: "Class C0". The serine amino acid residue is found in multiple mammalian species, suggesting that this missense change does not adversely affect protein function. These predictions have not been confirmed by published functional studies and their clinical significance is uncertain. This variant has not been reported in the literature in individuals with SYNE2-related disease. This variant is not present in population databases (ExAC no frequency). This sequence change replaces proline with serine at codon 289 of the SYNE2 protein (p.Pro289Ser). The proline residue is weakly conserved and there is a moderate physicochemical difference between proline and serine. In summary, the available evidence is currently insufficient to determine the role of this variant in disease. Therefore, it has been classified as a Variant of Uncertain Significance.

NM_182914.3(SYNE2):c.865C>T (p.Pro289Ser)

Gene: SYNE2 (spectrin repeat containing nuclear envelope protein 2; plus strand). Cytogenetic location: 14q23.2.
Variant type: single nucleotide variant.
Coding change: c.865C>T on transcript NM_182914.3 (MANE Select); coding-DNA position 865, C replaced by T.
Protein change: p.Pro289Ser; replaces proline 289 with serine.
Molecular consequence: missense variant.
Genome position (GRCh38, 1-based): chr14:63,961,602, C>T. VCF-style: chr14-63961602-C-T. GRCh37 (hg19) VCF-style: chr14-64428320-C-T.
Other names: c.865C>T, p.Pro289Ser (NM_015180.6); short protein forms P289S.
Identifiers: ClinVar variation 538337 (VCV000538337.11), dbSNP rs1459614876, ClinGen allele CA389947160.